The following is an entry in ClinVar:

ClinVar aggregate classification (germline): Likely benign (0 of 4 stars; one submission).

Conditions:
BTN2A2-related disorder. Also called: BTN2A2-related condition.

Allele frequency attached by ClinVar (database versions not stated): gnomAD 0.00012.
gnomAD v4.1: 119 of 1,613,878 alleles (0.0074%); highest among the groups gnomAD compares: Admixed American, 0.033%; no homozygotes.

Submission:

PreventionGenetics, part of Exact Sciences
Classification: Likely benign for BTN2A2-related condition. Last evaluated: 2019-04-25. Review status: no assertion criteria provided. Collection method: clinical testing. Allele origin: germline.
Comment: This variant is classified as likely benign based on ACMG/AMP sequence variant interpretation guidelines (Richards et al. 2015 PMID: 25741868, with internal and published modifications).

NM_006995.5(BTN2A2):c.411C>T (p.Tyr137=)

Gene: BTN2A2 (butyrophilin subfamily 2 member A2; plus strand). Cytogenetic location: 6p22.2.
Variant type: single nucleotide variant.
Coding change: c.411C>T on transcript NM_006995.5 (MANE Select); coding-DNA position 411, C replaced by T.
Protein change: p.Tyr137=; no amino-acid change (tyrosine 137 retained).
Molecular consequence: synonymous variant. On other transcripts: intron variant (2).
Genome position (GRCh38, 1-based): chr6:26,385,331, C>T. VCF-style: chr6-26385331-C-T. GRCh37 (hg19) VCF-style: chr6-26385559-C-T.
Other names: c.411C>T, p.Tyr137= (NM_001197237.2, NM_001197238.2, NM_001197240.2); c.94+1416C>T (NM_181531.3, NM_001197239.2).
Identifiers: ClinVar variation 3057855 (VCV003057855.2), dbSNP rs552051206, ClinGen allele CA3672379.
Genomic context (GRCh38, chr6:26,385,331, plus strand): 5'-TAACGTCACAGCCCAGGAGAATGGGATCTACCGCTGTTACTTCCAAGAAGGCAGGTCCTA[C>T]GATGAGGCCATCCTACGCCTCGTGGTGGCAGGTGCATCACTTCATTTTGCTTTATTACTT-3'
Protein context (NP_008926.2, residues 127-147): YRCYFQEGRS[Tyr137=]DEAILRLVVA